The following is an entry in ClinVar:

NM_001165963.4(SCN1A):c.4504G>T (p.Glu1502Ter)

Genes: SCN1A (sodium voltage-gated channel alpha subunit 1; minus strand), LOC102724058 (uncharacterized LOC102724058; plus strand). Cytogenetic location: 2q24.3.
Variant type: single nucleotide variant.
Coding change: c.4504G>T on transcript NM_001165963.4 (MANE Select); coding-DNA position 4504, G replaced by T.
Protein change: p.Glu1502Ter; replaces glutamic acid 1502 with a stop codon.
Molecular consequence: nonsense. On other transcripts: non-coding transcript variant (1).
Genome position (GRCh38, 1-based): chr2:165,996,090, C>A on the plus strand (G>T on the coding strand, the complement: SCN1A is on the minus strand). VCF-style: chr2-165996090-C-A. GRCh37 (hg19) VCF-style: chr2-166852600-C-A.
Other names: c.4420G>T, p.Glu1474Ter (NM_001165964.3, NM_001353957.2, NM_001353958.2); c.4504G>T, p.Glu1502Ter (NM_001202435.3, NM_001353948.2); c.4471G>T, p.Glu1491Ter (NM_001353949.2, NM_001353950.2, NM_001353951.2 and 2 more transcripts); c.4468G>T, p.Glu1490Ter (NM_001353954.2, NM_001353955.2); c.4417G>T, p.Glu1473Ter (NM_001353960.2); c.2062G>T, p.Glu688Ter (NM_001353961.2); short protein forms E1491*, E1502*, E1490*, E1474*, E688*, E1473*.
Identifiers: ClinVar variation 620187 (VCV000620187.1), dbSNP rs1553521538, ClinGen allele CA349048818.
Genomic context (GRCh38, chr2:165,996,090, plus strand): 5'-GCTTTTGCGGTTTTTTCGATCCTAATTTTTTCATTGCATTATAGTATTTCTTCTGTTCTT[C>A]TGTCATAAAGATGTCTTGACCTCCAAAGTATAGAAAAGAAAAATCAAACTGGTTAAAACT-3'

ClinVar aggregate classification (germline): Pathogenic (1 of 4 stars; one submission).

Submission:

GeneDx
Classification: Pathogenic. Last evaluated: 2018-03-21. Review status: criteria provided, single submitter. Criteria: GeneDx Variant Classification (06012015). Collection method: clinical testing. Allele origin: germline. Affected: yes.
Comment: The E1502X nonsense variant in the SCN1A gene is predicted to cause loss of normal protein function either through protein truncation or nonsense-mediated mRNA decay. The E1502X variant is not observed in large population cohorts (Lek et al., 2016).